The following is an entry in ClinVar:

NM_017882.3(CLN6):c.553T>G (p.Phe185Val)

Gene: CLN6 (CLN6 transmembrane ER protein; minus strand). Cytogenetic location: 15q23.
Variant type: single nucleotide variant.
Coding change: c.553T>G on transcript NM_017882.3 (MANE Select); coding-DNA position 553, T replaced by G.
Protein change: p.Phe185Val; replaces phenylalanine 185 with valine.
Molecular consequence: missense variant.
Genome position (GRCh38, 1-based): chr15:68,209,749, A>C on the plus strand (T>G on the coding strand, the complement: CLN6 is on the minus strand). VCF-style: chr15-68209749-A-C. GRCh37 (hg19) VCF-style: chr15-68502087-A-C.
Other names: short protein forms F185V.
Identifiers: ClinVar variation 859605 (VCV000859605.10), dbSNP rs2093199272, ClinGen allele CA392973040.

ClinVar aggregate classification (germline): Uncertain significance (1 of 4 stars; one submission).

Conditions:
Neuronal ceroid lipofuscinosis. Also called: Neuronal Ceroid Lipofuscinoses. Identifiers: Orphanet 216, Orphanet 79263, MedGen C0027877, MONDO:0016295. Disease mechanism: loss of function.

Allele frequency attached by ClinVar (database versions not stated): gnomAD exomes below 0.00001; TOPMed below 0.00001.
gnomAD v4.1: 4 of 1,613,472 alleles (0.00025%); highest among the groups gnomAD compares: Non-Finnish European, 0.00017%; no homozygotes.

Submission:

Labcorp Genetics (formerly Invitae), Labcorp
Classification: Uncertain significance for Neuronal ceroid lipofuscinosis. Last evaluated: 2019-12-08. Review status: criteria provided, single submitter. Criteria: Invitae Variant Classification Sherloc (09022015). Collection method: clinical testing. Allele origin: germline.
Comment: This variant is not present in population databases (ExAC no frequency). In summary, the available evidence is currently insufficient to determine the role of this variant in disease. Therefore, it has been classified as a Variant of Uncertain Significance. Algorithms developed to predict the effect of missense changes on protein structure and function are either unavailable or do not agree on the potential impact of this missense change (SIFT: "Tolerated"; PolyPhen-2: "Probably Damaging"; Align-GVGD: "Class C0"). This variant has not been reported in the literature in individuals with CLN6-related conditions. This sequence change replaces phenylalanine with valine at codon 185 of the CLN6 protein (p.Phe185Val). The phenylalanine residue is moderately conserved and there is a small physicochemical difference between phenylalanine and valine.